The following is an entry in ClinVar:

ClinVar aggregate classification (germline): Pathogenic. Review status: reviewed by expert panel (3 of 4 stars). 9 submissions from 9 submitters: Pathogenic (1). 8 of the submissions do not count toward it. Last evaluated 2016-09-08.

Conditions:
Hereditary cancer-predisposing syndrome. Also called: Hereditary Cancer Syndrome; Hereditary neoplastic syndrome; Neoplastic Syndromes, Hereditary; Tumor predisposition. Identifiers: Orphanet 140162, MedGen C0027672, MeSH D009386, MONDO:0015356.
Hereditary breast ovarian cancer syndrome. Also called: BRCA1- and BRCA2-Associated Hereditary Breast and Ovarian Cancer; Hereditary breast and ovarian cancer syndrome; Hereditary breast and ovarian cancer syndrome (HBOC); Breast and ovarian cancer; Hereditary breast and/or ovarian cancer syndrome; Hereditary breast and ovarian cancer. Identifiers: Orphanet 145, MedGen C0677776, MeSH D061325, MONDO:0003582. Disease mechanism: loss of function.
Breast-ovarian cancer, familial, susceptibility to, 1 (BROVCA1). Also called: BRCA1 Hereditary Breast and Ovarian Cancer; OVARIAN CANCER, SUSCEPTIBILITY TO. Identifiers: Orphanet 145, MedGen C2676676, MONDO:0011450, OMIM 604370. Disease mechanism: loss of function.

Submissions (9):

Evidence-based Network for the Interpretation of Germline Mutant Alleles (ENIGMA)
Classification: Pathogenic for Breast-ovarian cancer, familial, susceptibility to, 1. Last evaluated: 2016-09-08. Review status: reviewed by expert panel. Criteria: ENIGMA BRCA1/2 Classification Criteria (2015). Collection method: curation. Allele origin: germline.
Comment: Variant allele predicted to encode a truncated non-functional protein.

Labcorp Genetics (formerly Invitae), Labcorp
Classification: Pathogenic for Hereditary breast ovarian cancer syndrome. Last evaluated: 2026-01-14. Review status: criteria provided, single submitter. Criteria: Invitae Variant Classification Sherloc (09022015). Collection method: clinical testing. Allele origin: germline. Not counted in ClinVar's aggregate classification.
Comment: This sequence change creates a premature translational stop signal (p.Pro1831Leufs*3) in the BRCA1 gene. While this is not anticipated to result in nonsense mediated decay, it is expected to disrupt the last 33 amino acid(s) of the BRCA1 protein. This variant is not present in population databases (gnomAD no frequency). This premature translational stop signal has been observed in individual(s) with breast cancer (PMID: 30257646). ClinVar contains an entry for this variant (Variation ID: 55596). Algorithms developed to predict the effect of sequence changes on RNA splicing suggest that this variant may disrupt the consensus splice site. This variant disrupts the C-terminal end of the BRCA1 protein partially including the BRCT domain (residues 1646-1859), which is important for DNA repair activity (PMID: 11573086, 14576433, 15133503, 25652403). While functional studies have not been performed to directly test the effect on BRCA1 protein function, this suggests that disruption of the C-terminal portion of the protein is functionally important. A different truncation (p.Tyr1853*) that lies downstream of this variant has been determined to be pathogenic (PMID: 21922593, 10811118, 11739404, 12400015, 7894493, internal data). This suggests that variants that disrupt this region of the protein are likely to be causative of disease. For these reasons, this variant has been classified as Pathogenic.

Baylor Genetics
Classification: Pathogenic for Breast-ovarian cancer, familial, susceptibility to, 1. Last evaluated: 2023-05-22. Review status: criteria provided, single submitter. Criteria: ACMG Guidelines, 2015. Collection method: clinical testing. Allele origin: unknown. Not counted in ClinVar's aggregate classification.

Institute of Medical Genetics and Applied Genomics, University Hospital Tübingen
Classification: Pathogenic. Last evaluated: 2020-10-23. Review status: criteria provided, single submitter. Criteria: ACMG Guidelines, 2015. Collection method: clinical testing. Allele origin: germline. Inheritance: Unknown mechanism. Affected: yes. Not counted in ClinVar's aggregate classification.

GeneKor MSA
Classification: Pathogenic. Last evaluated: 2020-01-01. Review status: criteria provided, single submitter. Criteria: ACMG Guidelines, 2015. Collection method: clinical testing. Allele origin: germline. Not counted in ClinVar's aggregate classification.
Comment: This sequence change deletes one nucleotide base causing a frameshift and the creation of a premature translation stop signal 3 amino acid residues later. This is expected to result in an absent or disrupted protein product.

Ambry Genetics
Classification: Pathogenic for Hereditary cancer-predisposing syndrome. Last evaluated: 2016-12-21. Review status: criteria provided, single submitter. Criteria: Ambry Variant Classification Scheme 2023. Collection method: clinical testing. Allele origin: germline. Not counted in ClinVar's aggregate classification.
Comment: The c.5492delC pathogenic mutation, located in coding exon 22 of the BRCA1 gene, results from a deletion of one nucleotide at nucleotide position 5492, causing a translational frameshift with a predicted alternate stop codon (p.P1831Lfs*3). This frameshift occurs at the 3' terminus of BRCA1, is not expected to trigger nonsense-mediated mRNA decay, and impacts the last 33 amino acids of the protein. This alteration results in loss of very crucial amino acids from codons 1831 to 1855, which are part of the second BRCT functional domain. In addition, this mutation has been reported in numerous high-risk individuals with breast and/or ovarian cancer (Arnold N et al. Hum. Mutat., 1999;14:333-9; Konstantopoulou I et al. Clin. Genet., 2014 Jan;85:36-42; Meindl A et al. Int. J. Cancer, 2002 Feb;97:472-80). Of note, this mutation is also designated as 5611delC in published literature. This alteration is expected to result in loss of function by premature protein truncation. As such, this alteration is interpreted as a disease-causing mutation.

Consortium of Investigators of Modifiers of BRCA1/2 (CIMBA), c/o University of Cambridge
Classification: Pathogenic for Breast-ovarian cancer, familial, susceptibility to, 1. Last evaluated: 2015-10-02. Review status: criteria provided, single submitter. Criteria: CIMBA Mutation Classification guidelines May 2016. Collection method: clinical testing. Allele origin: germline. Not counted in ClinVar's aggregate classification.

Research Molecular Genetics Laboratory, Women's College Hospital, University of Toronto
Classification: Pathogenic for Hereditary breast ovarian cancer syndrome. Last evaluated: 2014-01-31. Review status: no assertion criteria provided. Collection method: research. Allele origin: germline. Affected: yes. Study: The Canadian Open Genetics Repository (COGR). Not counted in ClinVar's aggregate classification.

Breast Cancer Information Core (BIC) (BRCA1)
Classification: Pathogenic for Breast-ovarian cancer, familial 1. Last evaluated: 2002-05-29. Review status: no assertion criteria provided. Collection method: clinical testing. Allele origin: germline. Affected: yes. Observed: 4 variant alleles. Not counted in ClinVar's aggregate classification.

Literature cited by the submitters: PubMed 30257646 (cited by Labcorp Genetics (formerly Invitae), Labcorp); PubMed 11573086 (cited by Labcorp Genetics (formerly Invitae), Labcorp); PubMed 14576433 (cited by Labcorp Genetics (formerly Invitae), Labcorp); PubMed 15133503 (cited by Labcorp Genetics (formerly Invitae), Labcorp); PubMed 25652403 (cited by Labcorp Genetics (formerly Invitae), Labcorp); PubMed 21922593 (cited by Labcorp Genetics (formerly Invitae), Labcorp); PubMed 10811118 (cited by Labcorp Genetics (formerly Invitae), Labcorp); PubMed 11739404 (cited by Labcorp Genetics (formerly Invitae), Labcorp); PubMed 12400015 (cited by Labcorp Genetics (formerly Invitae), Labcorp); PubMed 7894493 (cited by Labcorp Genetics (formerly Invitae), Labcorp); PubMed 10502781 (cited by Ambry Genetics); PubMed 11802209 (cited by Ambry Genetics); PubMed 24010542 (cited by Ambry Genetics).

NM_007294.4(BRCA1):c.5492del (p.Pro1831fs)

Gene: BRCA1 (BRCA1 DNA repair associated; minus strand). Cytogenetic location: 17q21.31.
Variant type: Deletion.
Coding change: c.5492del on transcript NM_007294.4 (MANE Select); coding-DNA position 5492, one base deleted (C; older notation c.5492delC).
Protein change: p.Pro1831fs; shifts the reading frame from proline 1831.
Molecular consequence: frameshift variant. On other transcripts: 3 prime UTR variant (1), non-coding transcript variant (1).
Genome position (GRCh38, 1-based): chr17:43,045,778, G deleted on the plus strand (C on the coding strand, the reverse complement: BRCA1 is on the minus strand); the first of 2 consecutive G bases (chr17:43,045,778-43,045,779); deleting either gives the same sequence. VCF-style (leftmost placement, unchanged base first): chr17-43045777-AG-A. GRCh37 (hg19) VCF-style: chr17-41197794-AG-A.
Other names: 5611delC; c.1255delC, p.Pro419Leufs (NM_001408514.1); c.1855delC, p.Pro619Leufs (NM_001408506.1); c.1852delC, p.Pro618Leufs (NM_001408507.1); c.1843delC, p.Pro615Leufs (NM_001408508.1); c.1840delC, p.Pro614Leufs (NM_001408509.1); c.1801delC, p.Pro601Leufs (NM_001408510.1); c.1798delC, p.Pro600Leufs (NM_001408511.1); and 79 more; short protein forms P1852fs, P1784fs, P727fs, P1831fs.
Identifiers: ClinVar variation 55596 (VCV000055596.12), dbSNP rs80357582, ClinGen allele CA003663.